The following is an entry in ClinVar:

NM_032638.5(GATA2):c.656_675del (p.Glu219fs)

Gene: GATA2 (GATA binding protein 2; minus strand). Cytogenetic location: 3q21.3.
Variant type: Deletion.
Coding change: c.656_675del on transcript NM_032638.5 (MANE Select); coding-DNA positions 656 to 675, 20 bases deleted (AGAGCATGAAGATGGAAAGT).
Protein change: p.Glu219fs; shifts the reading frame from glutamic acid 219.
Molecular consequence: frameshift variant.
Genome position (GRCh38, 1-based): chr3:128,485,923-128,485,942, ACTTTCCATCTTCATGCTCT deleted on the plus strand (AGAGCATGAAGATGGAAAGT on the coding strand, the reverse complement: GATA2 is on the minus strand). VCF-style (leftmost placement, unchanged base first): chr3-128485922-CACTTTCCATCTTCATGCTCT-C. GRCh37 (hg19) VCF-style: chr3-128204765-CACTTTCCATCTTCATGCTCT-C.
Other names: c.656_675del, p.Glu219fs (NM_001145661.2, NM_001145662.1); short protein forms E219fs.
Identifiers: ClinVar variation 2952338 (VCV002952338.3), dbSNP rs2472930436, ClinGen allele CA2740090991.
Genomic context (GRCh38, chr3:128,485,922, plus strand): 5'-TGGGGTGGTGTGTAGCAGGCTGGGTGCCCATAGTAGCTAGGCCTGGGCGCAGGGGACTGC[CACTTTCCATCTTCATGCTCT>C]CCGTCAGTGACACCTGGTACTTGACGCCGTCCTTGTCCTCTCCTCGGGCTGCACTACCCC-3'

ClinVar aggregate classification (germline): Pathogenic (1 of 4 stars; one submission).

Conditions:
Monocytopenia with susceptibility to infections. Also called: MONOCYTOPENIA AND MYCOBACTERIAL INFECTION SYNDROME; MONOCYTOPENIA WITH SUSCEPTIBILITY TO MYCOBACTERIAL, FUNGAL, AND PAPILLOMAVIRUS INFECTIONS AND MYELODYSPLASIA; COMBINED IMMUNODEFICIENCY WITH SUSCEPTIBILITY TO MYCOBACTERIAL, VIRAL, AND FUNGAL INFECTIONS; Dendritic cell, monocyte, B lymphocyte, and natural killer lymphocyte deficiency; IMMUNODEFICIENCY 21; GATA2 DEFICIENCY. Identifiers: Orphanet 228423, MedGen C3280030, MONDO:0013607, OMIM 614172.
Deafness-lymphedema-leukemia syndrome. Also called: Lymphedema, primary, with myelodysplasia; Emberger syndrome. Identifiers: Orphanet 3226, MedGen C3279664, MONDO:0013540, OMIM 614038.

Submission:

Labcorp Genetics (formerly Invitae), Labcorp
Classification: Pathogenic for Monocytopenia with susceptibility to infections; Deafness-lymphedema-leukemia syndrome. Last evaluated: 2023-09-27. Review status: criteria provided, single submitter. Criteria: Invitae Variant Classification Sherloc (09022015). Collection method: clinical testing. Allele origin: germline.
Comment: This sequence change creates a premature translational stop signal (p.Glu219Glyfs*56) in the GATA2 gene. It is expected to result in an absent or disrupted protein product. Loss-of-function variants in GATA2 are known to be pathogenic (PMID: 21670465, 23223431). This variant is not present in population databases (gnomAD no frequency). This variant has not been reported in the literature in individuals affected with GATA2-related conditions. For these reasons, this variant has been classified as Pathogenic.

Literature cited by the submitters: PubMed 21670465; PubMed 23223431.